The following is an entry in ClinVar:

NM_005188.4(CBL):c.298T>C (p.Ser100Pro)

Gene: CBL (Cbl proto-oncogene; plus strand). Cytogenetic location: 11q23.3.
Variant type: single nucleotide variant.
Coding change: c.298T>C on transcript NM_005188.4 (MANE Select); coding-DNA position 298, T replaced by C.
Protein change: p.Ser100Pro; replaces serine 100 with proline.
Molecular consequence: missense variant.
Genome position (GRCh38, 1-based): chr11:119,232,550, T>C. VCF-style: chr11-119232550-T-C. GRCh37 (hg19) VCF-style: chr11-119103260-T-C.
Other names: short protein forms S100P.
Identifiers: ClinVar variation 3607446 (VCV003607446.2).

ClinVar aggregate classification (germline): Uncertain significance (1 of 4 stars; one submission).

Conditions:
RASopathy. Also called: Noonan spectrum disorder; rasopathies. Identifiers: Orphanet 536391, MedGen C5555857, MONDO:0021060.

gnomAD v4.1: 1 of 1,614,040 alleles (0.000062%); highest among the groups gnomAD compares: Admixed American, 0.0017%; no homozygotes.

Submission:

Labcorp Genetics (formerly Invitae), Labcorp
Classification: Uncertain significance for RASopathy. Last evaluated: 2024-08-19. Review status: criteria provided, single submitter. Criteria: Invitae Variant Classification Sherloc (09022015). Collection method: clinical testing. Allele origin: germline.
Comment: This sequence change replaces serine, which is neutral and polar, with proline, which is neutral and non-polar, at codon 100 of the CBL protein (p.Ser100Pro). This variant is present in population databases (no rsID available, gnomAD 0.003%). This variant has not been reported in the literature in individuals affected with CBL-related conditions. Invitae Evidence Modeling of protein sequence and biophysical properties (such as structural, functional, and spatial information, amino acid conservation, physicochemical variation, residue mobility, and thermodynamic stability) has been performed for this missense variant. However, the output from this modeling did not meet the statistical confidence thresholds required to predict the impact of this variant on CBL protein function. In summary, the available evidence is currently insufficient to determine the role of this variant in disease. Therefore, it has been classified as a Variant of Uncertain Significance.